The following is an entry in ClinVar:

ClinVar aggregate classification (germline): Uncertain significance (1 of 4 stars; one submission).

Conditions:
Inborn genetic diseases. Identifiers: MedGen C0950123, MeSH D030342.

Allele frequency attached by ClinVar (database versions not stated): gnomAD exomes below 0.00001.
gnomAD v4.1: 1 of 1,611,596 alleles (0.000062%); highest among the groups gnomAD compares: Non-Finnish European, 0.000085%; no homozygotes.

Submission:

Ambry Genetics
Classification: Uncertain significance for Inborn genetic diseases. Last evaluated: 2024-06-09. Review status: criteria provided, single submitter. Criteria: Ambry Variant Classification Scheme 2023. Collection method: clinical testing. Allele origin: germline.
Comment: The p.S798F variant (also known as c.2393C>T), located in coding exon 19 of the BUB1B gene, results from a C to T substitution at nucleotide position 2393. The serine at codon 798 is replaced by phenylalanine, an amino acid with highly dissimilar properties. This amino acid position is conserved. In addition, this alteration is predicted to be tolerated by in silico analysis. Since supporting evidence is limited at this time, the clinical significance of this alteration remains unclear.

NM_001211.6(BUB1B):c.2393C>T (p.Ser798Phe)

Gene: BUB1B (BUB1 mitotic checkpoint serine/threonine kinase B; plus strand). Cytogenetic location: 15q15.1.
Variant type: single nucleotide variant.
Coding change: c.2393C>T on transcript NM_001211.6 (MANE Select); coding-DNA position 2393, C replaced by T.
Protein change: p.Ser798Phe; replaces serine 798 with phenylalanine.
Molecular consequence: missense variant.
Genome position (GRCh38, 1-based): chr15:40,212,506, C>T. VCF-style: chr15-40212506-C-T. GRCh37 (hg19) VCF-style: chr15-40504707-C-T.
Other names: short protein forms S798F.
Identifiers: ClinVar variation 1790588 (VCV001790588.3), dbSNP rs1349572100, ClinGen allele CA391695112.